The following is an entry in ClinVar:

ClinVar aggregate classification (germline): Likely benign. Review status: criteria provided, multiple submitters, no conflicts (2 of 4 stars). 3 submissions from 3 submitters: Likely benign (3). Last evaluated 2025-05-01.

Allele frequency attached by ClinVar (database versions not stated): ExAC 0.00004; gnomAD exomes 0.00004 and 0.00007; gnomAD 0.00005 and 0.00007; TOPMed 0.00009; 1000 Genomes Project 30x 0.00016; 1000 Genomes Project 0.00020.

Submissions (3):

CeGaT Center for Human Genetics Tuebingen
Classification: Likely benign. Last evaluated: 2025-05-01. Review status: criteria provided, single submitter. Criteria: CeGaT Center For Human Genetics Tuebingen Variant Classification Criteria Version 2. Collection method: clinical testing. Allele origin: germline. Affected: yes. Observed: 1 variant allele.
Comment: LACC1: BP4, BP7

Labcorp Genetics (formerly Invitae), Labcorp
Classification: Likely benign. Last evaluated: 2018-05-19. Review status: criteria provided, single submitter. Criteria: Invitae Variant Classification Sherloc (09022015). Collection method: clinical testing. Allele origin: germline.

Breakthrough Genomics
Classification: Likely benign. Review status: criteria provided, single submitter. Criteria: ACMG Guidelines, 2015. Collection method: not provided. Allele origin: germline. Inheritance: Autosomal recessive inheritance. Affected: yes.

NM_153218.4(LACC1):c.423G>A (p.Gly141=)

Gene: LACC1 (laccase domain multifunctional purine nucleosidase 1; plus strand). Cytogenetic location: 13q14.11.
Variant type: single nucleotide variant.
Coding change: c.423G>A on transcript NM_153218.4 (MANE Select); coding-DNA position 423, G replaced by A.
Protein change: p.Gly141=; no amino-acid change (glycine 141 retained).
Molecular consequence: synonymous variant. On other transcripts: intron variant (5).
Genome position (GRCh38, 1-based): chr13:43,881,408, G>A. VCF-style: chr13-43881408-G-A. GRCh37 (hg19) VCF-style: chr13-44455544-G-A.
Other names: c.423G>A, p.Gly141= (NM_001128303.2, NM_001350638.2, NM_001350639.2 and 4 more transcripts); c.-207+111G>A (NM_001350645.2, NM_001350644.2, NM_001350647.2 and 2 more transcripts).
Identifiers: ClinVar variation 743333 (VCV000743333.14), dbSNP rs199580105, ClinGen allele CA6969098.